The following is an entry in ClinVar:

ClinVar aggregate classification (germline): Uncertain significance (1 of 4 stars; one submission).

Conditions:
Peroxisome biogenesis disorder 11A (Zellweger). Also called: Peroxisome biogenesis disorder 11A. Identifiers: Orphanet 912, MedGen C3554000, MONDO:0013949, OMIM 614883.

Allele frequency attached by ClinVar (database versions not stated): gnomAD exomes below 0.00001.
gnomAD v4.1: 1 of 1,613,928 alleles (0.000062%); highest among the groups gnomAD compares: Non-Finnish European, 0.000085%; no homozygotes.

Submission:

Labcorp Genetics (formerly Invitae), Labcorp
Classification: Uncertain significance for Peroxisome biogenesis disorder 11A (Zellweger). Last evaluated: 2021-10-21. Review status: criteria provided, single submitter. Criteria: Invitae Variant Classification Sherloc (09022015). Collection method: clinical testing. Allele origin: germline.
Comment: In summary, the available evidence is currently insufficient to determine the role of this variant in disease. Therefore, it has been classified as a Variant of Uncertain Significance. Algorithms developed to predict the effect of missense changes on protein structure and function (SIFT, PolyPhen-2, Align-GVGD) all suggest that this variant is likely to be tolerated. This variant has not been reported in the literature in individuals affected with PEX13-related conditions. This variant is not present in population databases (ExAC no frequency). This sequence change replaces leucine with arginine at codon 221 of the PEX13 protein (p.Leu221Arg). The leucine residue is moderately conserved and there is a moderate physicochemical difference between leucine and arginine.

NM_002618.4(PEX13):c.662T>G (p.Leu221Arg)

Gene: PEX13 (peroxisomal biogenesis factor 13; plus strand). Cytogenetic location: 2p15.
Variant type: single nucleotide variant.
Coding change: c.662T>G on transcript NM_002618.4 (MANE Select); coding-DNA position 662, T replaced by G.
Protein change: p.Leu221Arg; replaces leucine 221 with arginine.
Molecular consequence: missense variant.
Genome position (GRCh38, 1-based): chr2:61,031,988, T>G. VCF-style: chr2-61031988-T-G. GRCh37 (hg19) VCF-style: chr2-61259123-T-G.
Other names: short protein forms L221R.
Identifiers: ClinVar variation 1525947 (VCV001525947.4), dbSNP rs1475093874, ClinGen allele CA346944279.